The following is an entry in ClinVar:

ClinVar aggregate classification (germline): Uncertain significance (1 of 4 stars; one submission).

Submission:

Women's Health and Genetics/Laboratory Corporation of America, LabCorp
Classification: Uncertain significance. Last evaluated: 2022-11-28. Review status: criteria provided, single submitter. Criteria: LabCorp Variant Classification Summary - May 2015. Collection method: clinical testing. Allele origin: germline.
Comment: Variant summary: The variant identified by MLPA or other technology involves the deletion of exons 19-20 in the SVIL gene. A presumed nomenclature of c.(3664+1_3665-1)_(3841+1_3842-1)del has been designated for the purposes of this classification. Although exact breakpoints of this deletion are not known, it is expected to result a relatively small in-frame deletion in the SVIL gene, a potential mechanism of disease. The variant was absent in 21268 control chromosomes in the gnomAD database (structural variants data set). The available data on variant occurrences in the general population are insufficient to allow any conclusion about variant significance. To our knowledge, no occurrence of c.(3664+1_3665-1)_(3841+1_3842-1)del in individuals affected with Myofibrillar Myopathy 10 and no experimental evidence demonstrating its impact on protein function have been reported. No clinical diagnostic laboratories have submitted clinical-significance assessments for this variant to ClinVar after 2014. Based on the evidence outlined above, the variant was classified as VUS-possibly pathogenic.

NC_000010.10:g.(29782321_29783842)_(29784111_29788044)del

Gene: SVIL (supervillin; minus strand). Cytogenetic location: 10p11.23.
Variant type: Deletion.
Identifiers: ClinVar variation 1804822 (VCV001804822.1).